The following is an entry in ClinVar:

ClinVar aggregate classification (germline): Conflicting classifications of pathogenicity. Review status: criteria provided, conflicting classifications (1 of 4 stars). 3 submissions from 3 submitters: Likely pathogenic (1); Uncertain significance (1). 1 of the submissions does not count toward it. Last evaluated 2025-12-31.

Conditions:
Cardioencephalomyopathy, fatal infantile, due to cytochrome c oxidase deficiency 1 (MC4DN2). Also called: CYTOCHROME c OXIDASE DEFICIENCY, FATAL INFANTILE, WITH CARDIOENCEPHALOMYOPATHY; MITOCHONDRIAL COMPLEX IV DEFICIENCY, NUCLEAR TYPE 2. Identifiers: Orphanet 1561, MedGen C5399977, MONDO:0011451, OMIM 604377.
SCO2-related disorder. Also called: SCO2-related condition.

Submissions (3):

Dasa
Classification: Uncertain significance. Last evaluated: 2025-12-31. Review status: criteria provided, single submitter. Criteria: DASA Assertion Criteria. Collection method: clinical testing. Allele origin: germline.
Comment: NM_005138.3(SCO2):c.233_236delinsA (p.Leu78_Arg79delinsGln) is an in-frame insertion/deletion-insertion predicted to alter the protein sequence without shifting the reading frame. This variant is rare in population databases. The currently available literature and clinical evidence are not sufficient to establish a definitive association between this variant and the reported condition. Therefore, this variant is classified as a variant of uncertain significance.

Baylor Genetics
Classification: Likely pathogenic for Cardioencephalomyopathy, fatal infantile, due to cytochrome c oxidase deficiency 1. Last evaluated: 2022-12-01. Review status: criteria provided, single submitter. Criteria: ACMG Guidelines, 2015. Collection method: clinical testing. Allele origin: unknown.

PreventionGenetics, part of Exact Sciences
Classification: Uncertain significance for SCO2-related condition. Last evaluated: 2024-07-15. Review status: no assertion criteria provided. Collection method: clinical testing. Allele origin: germline. Not counted in ClinVar's aggregate classification.
Comment: The SCO2 c.233_236delinsA variant is predicted to result in an in-frame deletion and insertion. To our knowledge, this variant has not been reported in the literature or in a large population database, indicating this variant is rare. At this time, the clinical significance of this variant is uncertain due to the absence of conclusive functional and genetic evidence.

NM_005138.3(SCO2):c.233_236delinsA (p.Leu78_Arg79delinsGln)

Genes: NCAPH2 (non-SMC condensin II complex subunit H2; plus strand), SCO2 (synthesis of cytochrome C oxidase 2; minus strand). Cytogenetic location: 22q13.33.
Variant type: Indel.
Coding change: c.233_236delinsA on transcript NM_005138.3 (MANE Select); coding-DNA positions 233 to 236, TGAG replaced by A.
Protein change: p.Leu78_Arg79delinsGln.
Molecular consequence: inframe indel. On other transcripts: 3 prime UTR variant (2).
Genome position (GRCh38, 1-based): chr22:50,524,176-50,524,179, CTCA replaced by T on the plus strand (TGAG replaced by A on the coding strand, the reverse complement: SCO2 is on the minus strand). VCF-style: chr22-50524176-CTCA-T. GRCh37 (hg19) VCF-style: chr22-50962605-CTCA-T.
Other names: c.233_236delinsA, p.Leu78_Arg79delinsGln (NM_001169109.2, NM_001169110.1, NM_001169111.2); c.*801_*804delinsT (NM_001185011.2, NM_152299.4).
Identifiers: ClinVar variation 2678608 (VCV002678608.4), dbSNP rs2522474020, ClinGen allele CA2695200145.
Genomic context (GRCh38, chr22:50,524,176, plus strand): 5'-ACAGCTGCCTGGCGCAGGGCTTCTGTTCGCTTTTGCTGCTGCAGCCTCTCCTTCTCAGCC[CTCA>T]GGGCCAGCCAGGCCCCACCGAGTCCAGCCCCGAACAGGCCTGTGATCAGCAGCCGGGTTC-3'